The following is an entry in ClinVar:

ClinVar aggregate classification (germline): Uncertain significance (1 of 4 stars; one submission).

gnomAD v4.1: 26 of 1,614,068 alleles (0.0016%); highest among the groups gnomAD compares: Non-Finnish European, 0.0022%; no homozygotes.

Submission:

GeneDx
Classification: Uncertain significance. Last evaluated: 2025-05-05. Review status: criteria provided, single submitter. Criteria: GeneDx Variant Classification Process June 2021. Collection method: clinical testing. Allele origin: germline. Affected: yes.
Comment: Not observed at significant frequency in large population cohorts (gnomAD); In silico analysis suggests that this missense variant does not alter protein structure/function; Has not been previously published as pathogenic or benign to our knowledge

NM_000760.4(CSF3R):c.2222A>G (p.Gln741Arg)

Gene: CSF3R (colony stimulating factor 3 receptor; minus strand). Cytogenetic location: 1p34.3.
Variant type: single nucleotide variant.
Coding change: c.2222A>G on transcript NM_000760.4 (MANE Select); coding-DNA position 2222, A replaced by G.
Protein change: p.Gln741Arg; replaces glutamine 741 with arginine.
Molecular consequence: missense variant.
Genome position (GRCh38, 1-based): chr1:36,466,646, T>C on the plus strand (A>G on the coding strand, the complement: CSF3R is on the minus strand). VCF-style: chr1-36466646-T-C. GRCh37 (hg19) VCF-style: chr1-36932247-T-C.
Other names: c.2303A>G, p.Gln768Arg (NM_156039.3); c.2222A>G, p.Gln741Arg (NM_172313.3); short protein forms Q741R, Q768R.
Identifiers: ClinVar variation 4528117 (VCV004528117.1).